The following is an entry in ClinVar:

ClinVar aggregate classification (germline): Uncertain significance. Review status: criteria provided, multiple submitters, no conflicts (2 of 4 stars). 2 submissions from 2 submitters: Uncertain significance (2). Last evaluated 2022-09-19.

Conditions:
Immunodeficiency 51 (IMD51). Also called: CANDIDIASIS, FAMILIAL, 5. Identifiers: Orphanet 1334, MedGen C4310803, MONDO:0013500, OMIM 613953.

Allele frequency attached by ClinVar (database versions not stated): ExAC 0.00001; TOPMed 0.00003; gnomAD exomes 0.00005; gnomAD 0.00006; ESP Exome Variant Server 0.00008; 1000 Genomes Project 30x 0.00016.
gnomAD v4.1: 82 of 1,610,660 alleles (0.0051%); highest among the groups gnomAD compares: Middle Eastern, 0.017%; no homozygotes.

Submissions (2):

Labcorp Genetics (formerly Invitae), Labcorp
Classification: Uncertain significance for Immunodeficiency 51. Last evaluated: 2022-09-19. Review status: criteria provided, single submitter. Criteria: Invitae Variant Classification Sherloc (09022015). Collection method: clinical testing. Allele origin: germline.
Comment: This sequence change replaces phenylalanine, which is neutral and non-polar, with valine, which is neutral and non-polar, at codon 718 of the IL17RA protein (p.Phe718Val). This variant is present in population databases (rs376591791, gnomAD 0.004%). This variant has not been reported in the literature in individuals affected with IL17RA-related conditions. Advanced modeling of protein sequence and biophysical properties (such as structural, functional, and spatial information, amino acid conservation, physicochemical variation, residue mobility, and thermodynamic stability) has been performed at Invitae for this missense variant, however the output from this modeling did not meet the statistical confidence thresholds required to predict the impact of this variant on IL17RA protein function. In summary, the available evidence is currently insufficient to determine the role of this variant in disease. Therefore, it has been classified as a Variant of Uncertain Significance.

Ambry Genetics
Classification: Uncertain significance. Last evaluated: 2022-01-04. Review status: criteria provided, single submitter. Criteria: Ambry Variant Classification Scheme 2023. Collection method: clinical testing. Allele origin: germline.

NM_014339.7(IL17RA):c.2152T>G (p.Phe718Val)

Gene: IL17RA (interleukin 17 receptor A; plus strand). Cytogenetic location: 22q11.1.
Variant type: single nucleotide variant.
Coding change: c.2152T>G on transcript NM_014339.7 (MANE Select); coding-DNA position 2152, T replaced by G.
Protein change: p.Phe718Val; replaces phenylalanine 718 with valine.
Molecular consequence: missense variant.
Genome position (GRCh38, 1-based): chr22:17,109,371, T>G. VCF-style: chr22-17109371-T-G. GRCh37 (hg19) VCF-style: chr22-17590261-T-G.
Other names: c.2050T>G, p.Phe684Val (NM_001289905.2); c.2152T>G (NM_014339.5); short protein forms F684V, F718V.
Identifiers: ClinVar variation 2162046 (VCV002162046.2), dbSNP rs376591791, ClinGen allele CA10086919.